The following is an entry in ClinVar:

ClinVar aggregate classification (germline): Uncertain significance (1 of 4 stars; one submission).

Conditions:
Birt-Hogg-Dube syndrome. Also called: Birt Hogg Dubé syndrome. Identifiers: Orphanet 122, MedGen C0346010, MONDO:0800444.

Submission:

Labcorp Genetics (formerly Invitae), Labcorp
Classification: Uncertain significance for Birt-Hogg-Dube syndrome. Last evaluated: 2025-08-09. Review status: criteria provided, single submitter. Criteria: Invitae Variant Classification Sherloc (09022015). Collection method: clinical testing. Allele origin: germline.
Comment: This sequence change replaces glycine, which is neutral and non-polar, with valine, which is neutral and non-polar, at codon 556 of the FLCN protein (p.Gly556Val). This variant is not present in population databases (gnomAD no frequency). This variant has not been reported in the literature in individuals affected with FLCN-related conditions. Invitae Evidence Modeling of protein sequence and biophysical properties (such as structural, functional, and spatial information, amino acid conservation, physicochemical variation, residue mobility, and thermodynamic stability) has been performed for this missense variant. However, the output from this modeling did not meet the statistical confidence thresholds required to predict the impact of this variant on FLCN protein function. In summary, the available evidence is currently insufficient to determine the role of this variant in disease. Therefore, it has been classified as a Variant of Uncertain Significance.

NM_144997.7(FLCN):c.1667G>T (p.Gly556Val)

Gene: FLCN (folliculin; minus strand). Cytogenetic location: 17p11.2.
Variant type: single nucleotide variant.
Coding change: c.1667G>T on transcript NM_144997.7 (MANE Select); coding-DNA position 1667, G replaced by T.
Protein change: p.Gly556Val; replaces glycine 556 with valine.
Molecular consequence: missense variant.
Genome position (GRCh38, 1-based): chr17:17,213,728, C>A on the plus strand (G>T on the coding strand, the complement: FLCN is on the minus strand). VCF-style: chr17-17213728-C-A. GRCh37 (hg19) VCF-style: chr17-17117042-C-A.
Other names: c.1721G>T, p.Gly574Val (NM_001353229.2); c.1667G>T, p.Gly556Val (NM_001353230.2, NM_001353231.2); short protein forms G556V, G574V.
Identifiers: ClinVar variation 4744792 (VCV004744792.1).
Genomic context (GRCh38, chr17:17,213,728, plus strand): 5'-TCCGAGGCTGTGGGGCTGCGGACCGTGGACATGAGGTGTGACTTGTAGGTCTTGCTCAGG[C>A]CAGTCATCCAGAACTTCAGCAGCTTGACATTGTCCTCCTCGGACGCACCCAGGATGCTCA-3'
Protein context (NP_659434.2, residues 546-566): NVKLLKFWMT[Gly556Val]LSKTYKSHLM